The following is an entry in ClinVar:

ClinVar aggregate classification (germline): Uncertain significance (1 of 4 stars; one submission).

Conditions:
Inborn genetic diseases. Identifiers: MedGen C0950123, MeSH D030342.

gnomAD v4.1: 1 of 1,551,020 alleles (0.000064%); highest among the groups gnomAD compares: South Asian, 0.0012%; no homozygotes.

Submission:

Ambry Genetics
Classification: Uncertain significance for Inborn genetic diseases. Last evaluated: 2025-02-09. Review status: criteria provided, single submitter. Criteria: Ambry Variant Classification Scheme 2023. Collection method: clinical testing. Allele origin: germline.
Comment: The p.D666E variant (also known as c.1998C>A), located in coding exon 22 of the FANCA gene, results from a C to A substitution at nucleotide position 1998. The aspartic acid at codon 666 is replaced by glutamic acid, an amino acid with highly similar properties. This amino acid position is conserved. In addition, this alteration is predicted to be tolerated by in silico analysis. Based on the available evidence, the clinical significance of this variant remains unclear.

NM_000135.4(FANCA):c.1998C>A (p.Asp666Glu)

Gene: FANCA (FA complementation group A; minus strand). Cytogenetic location: 16q24.3.
Variant type: single nucleotide variant.
Coding change: c.1998C>A on transcript NM_000135.4 (MANE Select); coding-DNA position 1998, C replaced by A.
Protein change: p.Asp666Glu; replaces aspartic acid 666 with glutamic acid.
Molecular consequence: missense variant.
Genome position (GRCh38, 1-based): chr16:89,773,287, G>T on the plus strand (C>A on the coding strand, the complement: FANCA is on the minus strand). VCF-style: chr16-89773287-G-T. GRCh37 (hg19) VCF-style: chr16-89839695-G-T.
Other names: c.1998C>A, p.Asp666Glu (NM_001286167.3); short protein forms D666E.
Identifiers: ClinVar variation 3848217 (VCV003848217.1).